The following is an entry in ClinVar:

NM_000142.5(FGFR3):c.940G>A (p.Ala314Thr)

Gene: FGFR3 (fibroblast growth factor receptor 3; plus strand). Cytogenetic location: 4p16.3.
Variant type: single nucleotide variant.
Coding change: c.940G>A on transcript NM_000142.5 (MANE Select); coding-DNA position 940, G replaced by A.
Protein change: p.Ala314Thr; replaces alanine 314 with threonine.
Molecular consequence: missense variant. On other transcripts: non-coding transcript variant (1), intron variant (2).
Genome position (GRCh38, 1-based): chr4:1,803,701, G>A. VCF-style: chr4-1803701-G-A. GRCh37 (hg19) VCF-style: chr4-1805428-G-A.
Other names: c.940G>A, p.Ala314Thr (NM_001354809.2, NM_001354810.2); c.1082-629G>A (NM_001163213.2); c.931-1123G>A (NM_022965.4); short protein forms A314T.
Identifiers: ClinVar variation 1050565 (VCV001050565.8), dbSNP rs748488719, ClinGen allele CA2810135.

ClinVar aggregate classification (germline): Conflicting classifications of pathogenicity. Review status: criteria provided, conflicting classifications (1 of 4 stars). 3 submissions from 3 submitters: Uncertain significance (1); Likely benign (1). 1 of the submissions does not count toward it. Last evaluated 2026-08-06.

Conditions:
Achondroplasia (ACH). Also called: Achondroplastic dwarfism. Identifiers: Orphanet 15, MedGen C0001080, MONDO:0007037, OMIM 100800. Disease mechanism: gain of function.

Allele frequency attached by ClinVar (database versions not stated): gnomAD exomes 0.00002; gnomAD 0.00004; TOPMed 0.00004.
gnomAD v4.1: 28 of 1,613,506 alleles (0.0017%); highest among the groups gnomAD compares: African/African-American, 0.023%; no homozygotes.

Submissions (3):

OLLIN Analises Genomicas, OLLIN
Classification: Uncertain significance for Achondroplasia. Last evaluated: 2026-08-06. Review status: criteria provided, single submitter. Criteria: ACMG Guidelines 2015 PMID 25741868. Collection method: clinical testing. Allele origin: germline. Inheritance: Autosomal dominant inheritance.
Comment: This missense variant, located in exon 8 (of 18), has been reported in ClinVar (accession VCV001050565.7) and in gnomAD with an allele frequency of 0.0017%. However, to our knowledge, it has not been reported in the scientific literature. In silico analysis predicts that this variant has a tolerated effect. According to the currently available evidence, this variant has been classified as uncertain significance (BP4).

Labcorp Genetics (formerly Invitae), Labcorp
Classification: Likely benign. Last evaluated: 2026-01-07. Review status: criteria provided, single submitter. Criteria: Invitae Variant Classification Sherloc (09022015). Collection method: clinical testing. Allele origin: germline.

Department of Pathology and Laboratory Medicine, Sinai Health System
Classification: Uncertain significance. Review status: no assertion criteria provided. Collection method: clinical testing. Allele origin: unknown. Affected: yes. Study: The Canadian Open Genetics Repository (COGR). Not counted in ClinVar's aggregate classification.
Comment: The FGFR3 p.Ala314Thr variant was not identified in the literature nor was it identified in ClinVar or LOVD3.0. The variant was identified in dbSNP (ID: rs748488719) and Cosmic (FATHMM prediction: pathogenic; score=0.75). The variant was also identified in control databases in 6 of 281322 chromosomes at a frequency of 0.000021 (Genome Aggregation Database Feb 27, 2017). and was observed in the following populations: African in 2 of 24804 chromosomes (freq: 0.000081) and European (non-Finnish) in 4 of 128068 chromosomes (freq: 0.000031), while the variant was not observed in the Latino, Ashkenazi Jewish, East Asian, European (Finnish), Other and South Asian populations. The variant occurs outside of the splicing consensus sequence and in silico or computational prediction software programs (SpliceSiteFinder, MaxEntScan, NNSPLICE, GeneSplicer) do not predict a difference in splicing. The p.Ala314 residue is not conserved in mammals and four out of five computational analyses (PolyPhen-2, SIFT, AlignGVGD, BLOSUM) do not suggest a high likelihood of impact to the protein; however, this information is not predictive enough to rule out pathogenicity. In summary, based on the above information the clinical significance of this variant cannot be determined with certainty at this time. This variant is classified as a variant of uncertain significance.